The following is an entry in ClinVar:

ClinVar aggregate classification (germline): Pathogenic/Likely pathogenic. Review status: criteria provided, multiple submitters, no conflicts (2 of 4 stars). 2 submissions from 2 submitters: Pathogenic (1); Likely pathogenic (1). Last evaluated 2026-06-08.

Conditions:
Leber congenital amaurosis 6 (LCA6). Identifiers: Orphanet 65, MedGen C1854260, MONDO:0013446, OMIM 613826.
Leber congenital amaurosis (LCA). Also called: Leber's amaurosis. Identifiers: Orphanet 65, MedGen C0339527, MeSH D057130, MONDO:0018998.

Submissions (2):

Women's Health and Genetics/Laboratory Corporation of America, LabCorp
Classification: Pathogenic for Leber congenital amaurosis. Last evaluated: 2026-06-08. Review status: criteria provided, single submitter. Criteria: LabCorp Variant Classification Summary - May 2015. Collection method: clinical testing. Allele origin: germline.
Comment: Variant summary: RPGRIP1 c.817A>T (p.Lys273X) results in a premature termination codon, predicted to cause a truncation of the encoded protein or absence of the protein due to nonsense mediated decay, which are commonly known mechanisms for disease. The variant was absent in 179098 control chromosomes (gnomAD). c.817A>T has been observed in an individual affected with Leber congenital amaurosis (Kao_2024). The following publication has been ascertained in the context of this evaluation (PMID: 38195571). ClinVar contains an entry for this variant (Variation ID: 3767346). Based on the evidence outlined above, the variant was classified as pathogenic.

SingHealth Duke-NUS Institute of Precision Medicine
Classification: Likely pathogenic for Leber congenital amaurosis 6. Last evaluated: 2025-02-05. Review status: criteria provided, single submitter. Criteria: PRISM ACMG Classification Criteria. Collection method: clinical testing. Allele origin: germline. Affected: yes.
Comment: Variant is predicted to cause nonsense-mediated decay in a gene where LOF is a known cause of pathogenicity (PVS1). Variant is not found in gnomAD genomes or exomes (PM2).

Literature cited by the submitters: PubMed 38195571 (cited by Women's Health and Genetics/Laboratory Corporation of America, LabCorp).

NM_020366.4(RPGRIP1):c.817A>T (p.Lys273Ter)

Gene: RPGRIP1 (RPGR interacting protein 1; plus strand). Cytogenetic location: 14q11.2.
Variant type: single nucleotide variant.
Coding change: c.817A>T on transcript NM_020366.4 (MANE Select); coding-DNA position 817, A replaced by T.
Protein change: p.Lys273Ter; replaces lysine 273 with a stop codon.
Molecular consequence: nonsense.
Genome position (GRCh38, 1-based): chr14:21,307,747, A>T. VCF-style: chr14-21307747-A-T. GRCh37 (hg19) VCF-style: chr14-21775906-A-T.
Other names: short protein forms K273*.
Identifiers: ClinVar variation 3767346 (VCV003767346.2).